The following is an entry in ClinVar:

NM_000431.4(MVK):c.341A>G (p.Tyr114Cys)

Gene: MVK (mevalonate kinase; plus strand). Cytogenetic location: 12q24.11.
Variant type: single nucleotide variant.
Coding change: c.341A>G on transcript NM_000431.4 (MANE Select); coding-DNA position 341, A replaced by G.
Protein change: p.Tyr114Cys; replaces tyrosine 114 with cysteine.
Molecular consequence: missense variant.
Genome position (GRCh38, 1-based): chr12:109,579,916, A>G. VCF-style: chr12-109579916-A-G. GRCh37 (hg19) VCF-style: chr12-110017721-A-G.
Other names: c.341A>G, p.Tyr114Cys (NM_001114185.3, NM_001301182.2, NM_001414511.1 and 3 more transcripts); c.-242A>G (NM_001414515.1); short protein forms Y114C.
Identifiers: ClinVar variation 2074450 (VCV002074450.3), dbSNP rs745405090, ClinGen allele CA6779221.
Genomic context (GRCh38, chr12:109,579,916, plus strand): 5'-TTGCAGGCTTGCCTGACGACTGTGCTGTCACCGAGCGCCTGGCTGTGCTGGCCTTTCTTT[A>G]CTTATACCTGTCCATCTGCCGGAAGCAGAGGTGTGTGCGTGGTCTGGGGAAGGAGTCCAG-3'
Protein context (NP_000422.1, residues 104-124): TERLAVLAFL[Tyr114Cys]LYLSICRKQR

ClinVar aggregate classification (germline): Uncertain significance. Review status: criteria provided, multiple submitters, no conflicts (2 of 4 stars). 3 submissions from 3 submitters: Uncertain significance (3). Last evaluated 2024-10-31.

Conditions:
Porokeratosis 3, disseminated superficial actinic type (POROK3). Also called: POROKERATOSIS 3, MULTIPLE TYPES; POROKERATOSIS 3, MIBELLI TYPE; POROKERATOSIS, DISSEMINATED SUPERFICIAL ACTINIC, 1. Identifiers: MedGen C1867981, MONDO:0008293, OMIM 175900.
Mevalonic aciduria (MEVA). Identifiers: Orphanet 29, MedGen C1959626, MONDO:0012481, OMIM 610377.
Hyperimmunoglobulin D with periodic fever (HIDS). Also called: Hyperimmunoglobulinemia D; Hyperimmunoglobulinemia D with periodic fever; HYPERIMMUNOGLOBULINEMIA D AND PERIODIC FEVER SYNDROME. Identifiers: Orphanet 343, MedGen C0398691, MONDO:0009849, OMIM 260920.

Allele frequency attached by ClinVar (database versions not stated): gnomAD 0.00001; TOPMed 0.00001; gnomAD exomes 0.00011; ExAC 0.00014.
gnomAD v4.1: 76 of 1,614,032 alleles (0.0047%); highest among the groups gnomAD compares: Non-Finnish European, 0.0042%; no homozygotes.

Submissions (3):

Blueprint Genetics
Classification: Uncertain significance. Last evaluated: 2024-10-31. Review status: criteria provided, single submitter. Criteria: ACMG Guidelines, 2015. Collection method: clinical testing. Allele origin: germline.

Fulgent Genetics
Classification: Uncertain significance for Porokeratosis 3, disseminated superficial actinic type; Hyperimmunoglobulin D with periodic fever; Mevalonic aciduria. Last evaluated: 2024-03-11. Review status: criteria provided, single submitter. Criteria: ACMG Guidelines, 2015. Collection method: clinical testing. Allele origin: germline.

Labcorp Genetics (formerly Invitae), Labcorp
Classification: Uncertain significance for Mevalonic aciduria; Hyperimmunoglobulin D with periodic fever; Porokeratosis 3, disseminated superficial actinic type. Last evaluated: 2022-09-17. Review status: criteria provided, single submitter. Criteria: Invitae Variant Classification Sherloc (09022015). Collection method: clinical testing. Allele origin: germline.
Comment: This sequence change replaces tyrosine, which is neutral and polar, with cysteine, which is neutral and slightly polar, at codon 114 of the MVK protein (p.Tyr114Cys). This variant is present in population databases (rs745405090, gnomAD 0.04%). This variant has not been reported in the literature in individuals affected with MVK-related conditions. Advanced modeling of protein sequence and biophysical properties (such as structural, functional, and spatial information, amino acid conservation, physicochemical variation, residue mobility, and thermodynamic stability) performed at Invitae indicates that this missense variant is not expected to disrupt MVK protein function. In summary, the available evidence is currently insufficient to determine the role of this variant in disease. Therefore, it has been classified as a Variant of Uncertain Significance.